The following continues an entry in ClinVar:

NM_023110.3(FGFR1):c.755C>G (p.Pro252Arg)

Gene: FGFR1. ClinVar aggregate classification (germline): Pathogenic. Pathogenic (12).

Submissions 10 to 15 of 15:

CeGaT Center for Human Genetics Tuebingen
Classification: Pathogenic. Last evaluated: 2020-06-01. Review status: criteria provided, single submitter. Criteria: CeGaT Center For Human Genetics Tuebingen Variant Classification Criteria Version 2. Collection method: clinical testing. Allele origin: germline. Affected: yes. Observed: 1 variant allele.

Clinical Biomedical Laboratory, Shriners Hospital For Children - Canada
Classification: Pathogenic for Pfeiffer syndrome. Review status: criteria provided, single submitter. Criteria: ACMG Guidelines, 2015. Collection method: clinical testing. Allele origin: germline. Affected: yes.
Comment: This variant is predicted to substitute a proline residue by an arginine residue in FGFR1. This variant is very rare in gnomAD v2.1.1. Computational tools (REVEL: 0.81) suggest that the amino acid change is deleterious to protein function. The gene is associated with Pfeiffer syndrome (OMIM# 101600), which has overlap with the clinical presentation observed in the proband. This variant has been reported as a cause of Pfeiffer syndrome in more than 10 publications (e.g. PMID 25251565). Based on the ACMG variant interpretation guidelines (criteria PS3, PM5, PP2, PP3), the available evidence supports classification of this variant as pathogenic.

Kasturba Medical College, Manipal, Kasturba Medical College, Manipal, Manipal Academy of Higher Education, Manipal, India
Classification: Pathogenic for Pfeiffer syndrome. Review status: criteria provided, single submitter. Criteria: ACMG Guidelines, 2015. Collection method: clinical testing. Allele origin: germline. Affected: yes.

Clinical Genetics Laboratory, University Hospital Schleswig-Holstein
Classification: Pathogenic for Pfeiffer syndrome. Last evaluated: 2021-06-17. Review status: no assertion criteria provided. Collection method: clinical testing. Allele origin: germline. Affected: yes. Not counted in ClinVar's aggregate classification.

OMIM
Classification: Pathogenic for PFEIFFER SYNDROME. Last evaluated: 2004-01-01. Review status: no assertion criteria provided. Collection method: literature only. Allele origin: germline. Not counted in ClinVar's aggregate classification.

OMIM
Classification: Pathogenic for JACKSON-WEISS SYNDROME. Last evaluated: 2004-01-01. Review status: no assertion criteria provided. Collection method: literature only. Allele origin: germline. Not counted in ClinVar's aggregate classification.

Literature cited by the submitters: PubMed 7795583 (cited by Labcorp Genetics (formerly Invitae), Labcorp); PubMed 7874169 (cited by Labcorp Genetics (formerly Invitae), Labcorp and OMIM); PubMed 10861678 (cited by Labcorp Genetics (formerly Invitae), Labcorp and OMIM); PubMed 14564217 (cited by Labcorp Genetics (formerly Invitae), Labcorp); PubMed 16957473 (cited by Labcorp Genetics (formerly Invitae), Labcorp); PubMed 24127277 (cited by Labcorp Genetics (formerly Invitae), Labcorp and Victorian Clinical Genetics Services, Murdoch Childrens Research Institute); PubMed 24497711 (cited by Labcorp Genetics (formerly Invitae), Labcorp); PubMed 25251565 (cited by Labcorp Genetics (formerly Invitae), Labcorp); PubMed 10942429 (cited by Labcorp Genetics (formerly Invitae), Labcorp); PubMed 14613973 (cited by Labcorp Genetics (formerly Invitae), Labcorp and OMIM); PubMed 1456217 (cited by Victorian Clinical Genetics Services, Murdoch Childrens Research Institute); PubMed 18034870 (cited by Victorian Clinical Genetics Services, Murdoch Childrens Research Institute); PubMed 23812909 (cited by Victorian Clinical Genetics Services, Murdoch Childrens Research Institute); PubMed 26942290 (cited by Victorian Clinical Genetics Services, Murdoch Childrens Research Institute); PubMed 31837199 (cited by Victorian Clinical Genetics Services, Murdoch Childrens Research Institute).